The following is an entry in ClinVar:

ClinVar aggregate classification (germline): Uncertain significance (1 of 4 stars; one submission).

Submission:

Labcorp Genetics (formerly Invitae), Labcorp
Classification: Uncertain significance. Last evaluated: 2021-01-14. Review status: criteria provided, single submitter. Criteria: Invitae Variant Classification Sherloc (09022015). Collection method: clinical testing. Allele origin: germline.
Comment: This variant, c.2193_2201del, results in the deletion of 3 amino acid(s) of the COL9A1 protein (p.Pro732_Pro734del), but otherwise preserves the integrity of the reading frame. This variant is not present in population databases (ExAC no frequency). This variant has not been reported in the literature in individuals with COL9A1-related conditions. Experimental studies and prediction algorithms are not available or were not evaluated for this variant, and the functional significance of the affected amino acid(s) is currently unknown. In summary, the available evidence is currently insufficient to determine the role of this variant in disease. Therefore, it has been classified as a Variant of Uncertain Significance.

NM_001851.6(COL9A1):c.2193_2201del (p.Pro732_Pro734del)

Gene: COL9A1 (collagen type IX alpha 1 chain; minus strand). Cytogenetic location: 6q13.
Variant type: Deletion.
Coding change: c.2193_2201del on transcript NM_001851.6 (MANE Select); coding-DNA positions 2193 to 2201, 9 bases deleted (ACCTGGACC; older notation c.2193_2201delACCTGGACC).
Protein change: p.Pro732_Pro734del.
Molecular consequence: inframe deletion. On other transcripts: non-coding transcript variant (1), intron variant (1).
Genome position (GRCh38, 1-based): chr6:70,234,852-70,234,860, GGTCCAGGT deleted on the plus strand (ACCTGGACC on the coding strand, the reverse complement: COL9A1 is on the minus strand); deleting any 9 consecutive bases within chr6:70,234,852-70,234,865 gives the same sequence; the c. name uses the placement nearest the transcript's 3' end. VCF-style (leftmost placement, unchanged base first): chr6-70234851-GGGTCCAGGT-G. GRCh37 (hg19) VCF-style: chr6-70944554-GGGTCCAGGT-G.
Other names: c.1494_1502del, p.Pro499_Pro501del (NM_001377289.1); c.1464_1472del, p.Pro489_Pro491del (NM_078485.4); c.1384-267_1384-259del (NM_001377290.1).
Identifiers: ClinVar variation 951808 (VCV000951808.9), dbSNP rs1769800333, ClinGen allele CA1139659663.